The following is an entry in ClinVar:

ClinVar aggregate classification (germline): Uncertain significance (1 of 4 stars; one submission).

gnomAD v4.1: 2 of 1,613,686 alleles (0.00012%); highest among the groups gnomAD compares: African/African-American, 0.0013%; no homozygotes.

Submission:

Labcorp Genetics (formerly Invitae), Labcorp
Classification: Uncertain significance. Last evaluated: 2025-11-24. Review status: criteria provided, single submitter. Criteria: Invitae Variant Classification Sherloc (09022015). Collection method: clinical testing. Allele origin: germline.
Comment: This sequence change replaces histidine, which is basic and polar, with aspartic acid, which is acidic and polar, at codon 173 of the MYLK3 protein (p.His173Asp). This variant is present in population databases (rs767585675, gnomAD 0.0009%). This variant has not been reported in the literature in individuals affected with MYLK3-related conditions. An algorithm developed to predict the effect of missense changes on protein structure and function (PolyPhen-2) suggests that this variant is likely to be disruptive. In summary, the available evidence is currently insufficient to determine the role of this variant in disease. Therefore, it has been classified as a Variant of Uncertain Significance.

NM_182493.3(MYLK3):c.517C>G (p.His173Asp)

Gene: MYLK3 (myosin light chain kinase 3; minus strand). Cytogenetic location: 16q11.2.
Variant type: single nucleotide variant.
Coding change: c.517C>G on transcript NM_182493.3 (MANE Select); coding-DNA position 517, C replaced by G.
Protein change: p.His173Asp; replaces histidine 173 with aspartic acid.
Molecular consequence: missense variant. On other transcripts: 5 prime UTR variant (1).
Genome position (GRCh38, 1-based): chr16:46,740,108, G>C on the plus strand (C>G on the coding strand, the complement: MYLK3 is on the minus strand). VCF-style: chr16-46740108-G-C. GRCh37 (hg19) VCF-style: chr16-46774020-G-C.
Other names: c.-74C>G (NM_001308301.1); short protein forms H173D.
Identifiers: ClinVar variation 4731906 (VCV004731906.1).